The following is an entry in ClinVar:

NM_006514.4(SCN10A):c.3797G>A (p.Gly1266Asp)

Gene: SCN10A (sodium voltage-gated channel alpha subunit 10; minus strand). Cytogenetic location: 3p22.2.
Variant type: single nucleotide variant.
Coding change: c.3797G>A on transcript NM_006514.4 (MANE Select); coding-DNA position 3797, G replaced by A.
Protein change: p.Gly1266Asp; replaces glycine 1266 with aspartic acid.
Molecular consequence: missense variant.
Genome position (GRCh38, 1-based): chr3:38,713,965, C>T on the plus strand (G>A on the coding strand, the complement: SCN10A is on the minus strand). VCF-style: chr3-38713965-C-T. GRCh37 (hg19) VCF-style: chr3-38755456-C-T.
Other names: c.3794G>A, p.Gly1265Asp (NM_001293306.2); c.3503G>A, p.Gly1168Asp (NM_001293307.2); short protein forms G1168D, G1265D, G1266D.
Identifiers: ClinVar variation 4805031 (VCV004805031.1).

ClinVar aggregate classification (germline): Uncertain significance (1 of 4 stars; one submission).

Conditions:
Brugada syndrome. Also called: Sudden unexpected nocturnal death syndrome; Sudden unexplained nocturnal death syndrome; Sudden Unexplained Death Syndrome; Sudden Unexplained Nocturnal Death Syndrome (SUNDS). Identifiers: Orphanet 130, MedGen C1142166, MONDO:0015263.

gnomAD v4.1: 1 of 1,613,516 alleles (0.000062%); highest among the groups gnomAD compares: Admixed American, 0.0017%; no homozygotes.

Submission:

Labcorp Genetics (formerly Invitae), Labcorp
Classification: Uncertain significance for Brugada syndrome. Last evaluated: 2025-02-27. Review status: criteria provided, single submitter. Criteria: Invitae Variant Classification Sherloc (09022015). Collection method: clinical testing. Allele origin: germline.
Comment: This sequence change replaces glycine, which is neutral and non-polar, with aspartic acid, which is acidic and polar, at codon 1266 of the SCN10A protein (p.Gly1266Asp). This variant is present in population databases (rs752189483, gnomAD 0.003%). This variant has not been reported in the literature in individuals affected with SCN10A-related conditions. Invitae Evidence Modeling of protein sequence and biophysical properties (such as structural, functional, and spatial information, amino acid conservation, physicochemical variation, residue mobility, and thermodynamic stability) indicates that this missense variant is expected to disrupt SCN10A protein function with a positive predictive value of 80%. In summary, the available evidence is currently insufficient to determine the role of this variant in disease. Therefore, it has been classified as a Variant of Uncertain Significance.